The following is an entry in ClinVar:

NC_000007.14:g.130441209C>T

Gene: CEP41 (centrosomal protein 41; minus strand). Cytogenetic location: 7q32.2.
Variant type: single nucleotide variant.
Genome position: GRCh38 VCF-style: chr7-130441209-C-T. GRCh37 (hg19) VCF-style: chr7-130081050-C-T.
Identifiers: ClinVar variation 358950 (VCV000358950.31), dbSNP rs542293061, ClinGen allele CA4485806.
Genomic context (GRCh38, chr7:130,441,209, plus strand): 5'-ACGCCGCTCAATGGTTGCCAAGGGCAACGCGGGACGCCGGCTAGCGAGGCCTTTTGTTCT[C>T]TGGGCTGGGGCTCGCCGGCTCCAGCCTTAGGGCGGGAAGAGAGGCGCGGGGGGAGGGGAA-3'

ClinVar aggregate classification (germline): Likely benign. Review status: criteria provided, multiple submitters, no conflicts (2 of 4 stars). 2 submissions from 2 submitters: Likely benign (2). Last evaluated 2024-11-01.

Allele frequency attached by ClinVar (database versions not stated): 1000 Genomes Project 30x 0.00187; 1000 Genomes Project 0.00200; TOPMed 0.00400; gnomAD 0.00425 and 0.00433; gnomAD exomes 0.00445 and 0.00674; ExAC 0.00726.
gnomAD v4.1: 3,108 of 513,198 alleles (0.61%); highest among the groups gnomAD compares: Non-Finnish European, 0.85%; 9 homozygotes.

Submissions (2):

CeGaT Center for Human Genetics Tuebingen
Classification: Likely benign. Last evaluated: 2024-11-01. Review status: criteria provided, single submitter. Criteria: CeGaT Center For Human Genetics Tuebingen Variant Classification Criteria Version 2. Collection method: clinical testing. Allele origin: germline. Affected: yes. Observed: 3 variant alleles.
Comment: CEP41: BS2

GeneDx
Classification: Likely benign. Last evaluated: 2020-06-28. Review status: criteria provided, single submitter. Criteria: GeneDx Variant Classification Process June 2021. Collection method: clinical testing. Allele origin: germline. Affected: yes.